The following is an entry in ClinVar:

NM_005476.7(GNE):c.2109C>A (p.Asp703Glu)

Gene: GNE (glucosamine (UDP-N-acetyl)-2-epimerase/N-acetylmannosamine kinase; minus strand). Cytogenetic location: 9p13.3.
Variant type: single nucleotide variant.
Coding change: c.2109C>A on transcript NM_005476.7 (MANE Select); coding-DNA position 2109, C replaced by A.
Protein change: p.Asp703Glu; replaces aspartic acid 703 with glutamic acid.
Molecular consequence: missense variant.
Genome position (GRCh38, 1-based): chr9:36,217,425, G>T on the plus strand (C>A on the coding strand, the complement: GNE is on the minus strand). VCF-style: chr9-36217425-G-T. GRCh37 (hg19) VCF-style: chr9-36217422-G-T.
Other names: c.2202C>A, p.Asp734Glu (NM_001128227.3); c.1887C>A, p.Asp629Glu (NM_001190383.3); c.1779C>A, p.Asp593Glu (NM_001190384.3); c.1932C>A, p.Asp644Glu (NM_001190388.2, NM_001374798.1); c.1956C>A, p.Asp652Glu (NM_001374797.1); short protein forms D629E, D734E, D703E, D593E, D644E, D652E.
Identifiers: ClinVar variation 2048449 (VCV002048449.1), dbSNP rs1211781070, ClinGen allele CA373424298.
Genomic context (GRCh38, chr9:36,217,425, plus strand): 5'-CTAGTAGATCCTGCGTGTTGTGTAGTCCAGAACCATGCTGGCAGCACCCAGCAGGGCGGG[G>T]TCAACCAAATCCGAAACCACCACATCCACGTCCTGCACGGAGGACAAGGCCTGCTGGCGA-3'
Protein context (NP_005467.1, residues 693-713): DVDVVVSDLV[Asp703Glu]PALLGAASMV

ClinVar aggregate classification (germline): Uncertain significance (1 of 4 stars; one submission).

Conditions:
Sialuria. Also called: SIALURIA, FRENCH TYPE; Sialic Acid Storage Disease. Identifiers: Orphanet 3166, MedGen C0342853, MONDO:0010028, OMIM 269921.
GNE myopathy (NM). Also called: NONAKA DISTAL MYOPATHY; INCLUSION BODY MYOPATHY 2, AUTOSOMAL RECESSIVE; IBM 2; Inclusion body myopathy autosomal recessive; Inclusion body myopathy quadriceps sparing; MYOPATHY, DISTAL, WITH OR WITHOUT RIMMED VACUOLES. Identifiers: Orphanet 602, MedGen C1853926, MONDO:0011603, OMIM 605820.

Allele frequency attached by ClinVar (database versions not stated): gnomAD exomes 0.00001; TOPMed 0.00001.
gnomAD v4.1: 3 of 1,614,172 alleles (0.00019%); highest among the groups gnomAD compares: Admixed American, 0.0033%; no homozygotes.

Submission:

Labcorp Genetics (formerly Invitae), Labcorp
Classification: Uncertain significance for Sialuria; GNE myopathy. Last evaluated: 2022-07-14. Review status: criteria provided, single submitter. Criteria: Invitae Variant Classification Sherloc (09022015). Collection method: clinical testing. Allele origin: germline.
Comment: This sequence change replaces aspartic acid, which is acidic and polar, with glutamic acid, which is acidic and polar, at codon 734 of the GNE protein (p.Asp734Glu). This variant is present in population databases (no rsID available, gnomAD 0.003%). This variant has not been reported in the literature in individuals affected with GNE-related conditions. Algorithms developed to predict the effect of missense changes on protein structure and function output the following: SIFT: "Tolerated"; PolyPhen-2: "Benign"; Align-GVGD: "Class C0". The glutamic acid amino acid residue is found in multiple mammalian species, which suggests that this missense change does not adversely affect protein function. In summary, the available evidence is currently insufficient to determine the role of this variant in disease. Therefore, it has been classified as a Variant of Uncertain Significance.